The following is an entry in ClinVar:

NM_024649.5(BBS1):c.1473+2T>G

Genes: BBS1 (Bardet-Biedl syndrome 1; plus strand), ZDHHC24 (zDHHC palmitoyltransferase 24; minus strand). Cytogenetic location: 11q13.2.
Variant type: single nucleotide variant.
Coding change: c.1473+2T>G on transcript NM_024649.5 (MANE Select); the canonical splice donor site of the intron after coding-DNA position 1473, T replaced by G.
Molecular consequence: splice donor variant. On other transcripts: intron variant (1).
Genome position (GRCh38, 1-based): chr11:66,529,954, T>G. VCF-style: chr11-66529954-T-G. GRCh37 (hg19) VCF-style: chr11-66297425-T-G.
Other names: c.560-466A>C (NM_001348571.2).
Identifiers: ClinVar variation 1297130 (VCV001297130.4), dbSNP rs1856699646, ClinGen allele CA381424184.

ClinVar aggregate classification (germline): Likely pathogenic (1 of 4 stars; one submission).

Conditions:
Retinitis pigmentosa (RP). Identifiers: Orphanet 791, MedGen C0035334, MeSH D012174, MONDO:0019200, OMIM 268000. Inheritance: Autosomal dominant, autosomal recessive and X linked inheritance.

Submission:

Broad Center for Mendelian Genomics, Broad Institute of MIT and Harvard
Classification: Likely pathogenic for Retinitis pigmentosa. Last evaluated: 2021-04-01. Review status: criteria provided, single submitter. Criteria: ACMG Guidelines, 2015. Collection method: curation. Allele origin: germline. Inheritance: Autosomal recessive inheritance. Affected: yes.
Comment: Through a review of available evidence we were able to apply the following criteria: PVS1, PM2. Based on this evidence we have classified this variant as Likely Pathogenic. If you have any questions about the classification please reach out to the Pierce Lab.

Literature cited by the submitters: PubMed 34906470.